The following is an entry in ClinVar:

ClinVar aggregate classification (germline): Uncertain significance (1 of 4 stars; one submission).

gnomAD v4.1: 10 of 1,613,828 alleles (0.00062%); no homozygotes.

Submission:

Labcorp Genetics (formerly Invitae), Labcorp
Classification: Uncertain significance. Last evaluated: 2026-02-01. Review status: criteria provided, single submitter. Criteria: Invitae Variant Classification Sherloc (09022015). Collection method: clinical testing. Allele origin: germline.
Comment: This sequence change replaces proline, which is neutral and non-polar, with leucine, which is neutral and non-polar, at codon 687 of the ALPK3 protein (p.Pro687Leu). This variant is present in population databases (rs751233026, gnomAD 0.01%). This variant has not been reported in the literature in individuals affected with ALPK3-related conditions. ClinVar contains an entry for this variant (Variation ID: 3613831). Invitae Evidence Modeling of protein sequence and biophysical properties (such as structural, functional, and spatial information, amino acid conservation, physicochemical variation, residue mobility, and thermodynamic stability) indicates that this missense variant is expected to disrupt ALPK3 protein function with a positive predictive value of 80%. In summary, the available evidence is currently insufficient to determine the role of this variant in disease. Therefore, it has been classified as a Variant of Uncertain Significance.

NM_020778.5(ALPK3):c.1454C>T (p.Pro485Leu)

Gene: ALPK3 (alpha kinase 3; plus strand). Cytogenetic location: 15q25.3.
Variant type: single nucleotide variant.
Coding change: c.1454C>T on transcript NM_020778.5 (MANE Select); coding-DNA position 1454, C replaced by T.
Protein change: p.Pro485Leu; replaces proline 485 with leucine.
Molecular consequence: missense variant.
Genome position (GRCh38, 1-based): chr15:84,840,733, C>T. VCF-style: chr15-84840733-C-T. GRCh37 (hg19) VCF-style: chr15-85383964-C-T.
Other names: short protein forms P485L.
Identifiers: ClinVar variation 3613831 (VCV003613831.2).
Genomic context (GRCh38, chr15:84,840,733, plus strand): 5'-AGCCCACACACTCCTTGACCCCCCAGCCGACTAGGCCTTTCAACAGAAAGAGATTTGCCC[C>T]TCCAAAGCCCAAAGGAGAGGCCACCACTGACAGCAAGCCCATTTCTTCTCTGAGTCAAGC-3'
Protein context (NP_065829.4, residues 475-495): TRPFNRKRFA[Pro485Leu]PKPKGEATTD